The following is an entry in ClinVar:

NM_003970.4(MYOM2):c.*5G>A

Gene: MYOM2 (myomesin 2; plus strand). Cytogenetic location: 8p23.3.
Variant type: single nucleotide variant.
Coding change: c.*5G>A on transcript NM_003970.4 (MANE Select); 5 bases downstream of the stop codon, G replaced by A.
Molecular consequence: 3 prime UTR variant.
Genome position (GRCh38, 1-based): chr8:2,144,986, G>A. VCF-style: chr8-2144986-G-A. GRCh37 (hg19) VCF-style: chr8-2092910-G-A.
Identifiers: ClinVar variation 3049349 (VCV003049349.2), dbSNP rs377203581, ClinGen allele CA170467355.

ClinVar aggregate classification (germline): Likely benign (0 of 4 stars; one submission).

Conditions:
MYOM2-related disorder. Also called: MYOM2-related condition.

Allele frequency attached by ClinVar (database versions not stated): gnomAD 0.00005; ExAC 0.00006; TOPMed 0.00010; gnomAD exomes 0.00012; ESP Exome Variant Server 0.00015.

Submission:

PreventionGenetics, part of Exact Sciences
Classification: Likely benign for MYOM2-related condition. Last evaluated: 2019-07-13. Review status: no assertion criteria provided. Collection method: clinical testing. Allele origin: germline.
Comment: This variant is classified as likely benign based on ACMG/AMP sequence variant interpretation guidelines (Richards et al. 2015 PMID: 25741868, with internal and published modifications).